The following is an entry in ClinVar:

NM_031935.3(HMCN1):c.13094G>A (p.Gly4365Glu)

Gene: HMCN1 (hemicentin 1; plus strand). Cytogenetic location: 1q31.1.
Variant type: single nucleotide variant.
Coding change: c.13094G>A on transcript NM_031935.3 (MANE Select); coding-DNA position 13094, G replaced by A.
Protein change: p.Gly4365Glu; replaces glycine 4365 with glutamic acid.
Molecular consequence: missense variant.
Genome position (GRCh38, 1-based): chr1:186,130,561, G>A. VCF-style: chr1-186130561-G-A. GRCh37 (hg19) VCF-style: chr1-186099693-G-A.
Other names: short protein forms G4365E.
Identifiers: ClinVar variation 3858098 (VCV003858098.2).
Genomic context (GRCh38, chr1:186,130,561, plus strand): 5'-TTCCAGAACCTCCAGTCTTCAAAGGTGATTATCCTTCTAACTGGATTGAACCACTTGGTG[G>A]GAATGCAATCCTGAATTGTGAGGTGAAAGGAGACCCCACCCCAACCATCCAGTGGAACAG-3'
Protein context (NP_114141.2, residues 4355-4375): YPSNWIEPLG[Gly4365Glu]NAILNCEVKG

ClinVar aggregate classification (germline): Uncertain significance. Review status: criteria provided, multiple submitters, no conflicts (2 of 4 stars). 2 submissions from 2 submitters: Uncertain significance (2). Last evaluated 2025-02-19.

gnomAD v4.1: 17 of 1,613,426 alleles (0.0011%); highest among the groups gnomAD compares: Non-Finnish European, 0.00025%; no homozygotes.

Submissions (2):

Ambry Genetics
Classification: Uncertain significance. Last evaluated: 2025-02-19. Review status: criteria provided, single submitter. Criteria: Ambry Variant Classification Scheme 2023. Collection method: clinical testing. Allele origin: germline.

Labcorp Genetics (formerly Invitae), Labcorp
Classification: Uncertain significance. Last evaluated: 2025-02-16. Review status: criteria provided, single submitter. Criteria: Invitae Variant Classification Sherloc (09022015). Collection method: clinical testing. Allele origin: germline.
Comment: This sequence change replaces glycine, which is neutral and non-polar, with glutamic acid, which is acidic and polar, at codon 4365 of the HMCN1 protein (p.Gly4365Glu). This variant is present in population databases (rs376408328, gnomAD 0.02%). This variant has not been reported in the literature in individuals affected with HMCN1-related conditions. An algorithm developed to predict the effect of missense changes on protein structure and function (PolyPhen-2) suggests that this variant is likely to be disruptive. In summary, the available evidence is currently insufficient to determine the role of this variant in disease. Therefore, it has been classified as a Variant of Uncertain Significance.